The following is an entry in ClinVar:

ClinVar aggregate classification (germline): Pathogenic. Review status: criteria provided, multiple submitters, no conflicts (2 of 4 stars). 2 submissions from 2 submitters: Pathogenic (2). Last evaluated 2023-08-14.

Conditions:
Hypertrophic cardiomyopathy. Also called: HYPERTROPHIC MYOCARDIOPATHY. Identifiers: Orphanet 217569, MedGen C0007194, MeSH D002312, MONDO:0005045, HP:0001639.

Submissions (2):

Labcorp Genetics (formerly Invitae), Labcorp
Classification: Pathogenic for Hypertrophic cardiomyopathy. Last evaluated: 2023-08-14. Review status: criteria provided, single submitter. Criteria: Invitae Variant Classification Sherloc (09022015). Collection method: clinical testing. Allele origin: germline.
Comment: This sequence change creates a premature translational stop signal (p.Trp1086*) in the MYBPC3 gene. It is expected to result in an absent or disrupted protein product. Loss-of-function variants in MYBPC3 are known to be pathogenic (PMID: 19574547). This variant is not present in population databases (gnomAD no frequency). This premature translational stop signal has been observed in individual(s) with clinical features of hypertrophic cardiomyopathy (PMID: 26914223). ClinVar contains an entry for this variant (Variation ID: 816955). For these reasons, this variant has been classified as Pathogenic.

GeneDx
Classification: Pathogenic. Last evaluated: 2019-02-25. Review status: criteria provided, single submitter. Criteria: GeneDx Variant Classification (06012015). Collection method: clinical testing. Allele origin: germline. Affected: yes.
Comment: The W1086X (c.3258 G>A) pathogenic variant in the MYBPC3 gene has been reported in association with hypertrophic cardiomyopathy (HCM) (Murphy et al., 2016). In addition, a different nucleotide substitution resulting in the same nonsense variant (c.3257 G>A) has also been reported in association with HCM (Lopes et al., 2015; Walsh et al., 2017). W1086X is is predicted to cause loss of normal protein function either by protein truncation or nonsense-mediated mRNA decay. Many other downstream nonsense variants in the MYBPC3 gene have been reported in the Human Gene Mutation Database in association with cardiomyopathy (Stenson et al., 2014). Furthermore, the W1086X variant is not observed in large population cohorts (Lek et al., 2016).

Literature cited by the submitters: PubMed 19574547 (cited by Labcorp Genetics (formerly Invitae), Labcorp); PubMed 26914223 (cited by Labcorp Genetics (formerly Invitae), Labcorp).

NM_000256.3(MYBPC3):c.3258G>A (p.Trp1086Ter)

Gene: MYBPC3 (myosin binding protein C3; minus strand). Cytogenetic location: 11p11.2.
Variant type: single nucleotide variant.
Coding change: c.3258G>A on transcript NM_000256.3 (MANE Select); coding-DNA position 3258, G replaced by A.
Protein change: p.Trp1086Ter; replaces tryptophan 1086 with a stop codon.
Molecular consequence: nonsense.
Genome position (GRCh38, 1-based): chr11:47,333,266, C>T on the plus strand (G>A on the coding strand, the complement: MYBPC3 is on the minus strand). VCF-style: chr11-47333266-C-T. GRCh37 (hg19) VCF-style: chr11-47354817-C-T.
Other names: short protein forms W1086*.
Identifiers: ClinVar variation 816955 (VCV000816955.4), dbSNP rs1595841552, ClinGen allele CA380314283.